The following is an entry in ClinVar:

NM_001323289.2(CDKL5):c.234_238dup (p.Arg80fs)

Gene: CDKL5 (cyclin dependent kinase like 5; plus strand). Cytogenetic location: Xp22.13.
Variant type: Duplication.
Coding change: c.234_238dup on transcript NM_001323289.2 (MANE Select); coding-DNA positions 234 to 238, 5 bases duplicated (ATTTC; older notation c.234_238dupATTTC).
Protein change: p.Arg80fs; shifts the reading frame from arginine 80.
Molecular consequence: frameshift variant.
Genome position (GRCh38, 1-based): chrX:18,575,442-18,575,446, ATTTC duplicated; duplicating any 5 consecutive bases within chrX:18,575,441-18,575,446 gives the same sequence; the c. name uses the placement nearest the transcript's 3' end. VCF-style (leftmost placement, unchanged base first): chrX-18575440-G-GCATTT. GRCh37 (hg19) VCF-style: chrX-18593560-G-GCATTT.
Other names: c.234_238dupATTTC (NM_003159.2); c.234_238dup, p.Arg80fs (NM_001037343.2, NM_003159.3); short protein forms R80fs.
Identifiers: ClinVar variation 420731 (VCV000420731.2), dbSNP rs1555949033, ClinGen allele CA16621268.

ClinVar aggregate classification (germline): Likely pathogenic (1 of 4 stars; one submission).

Submission:

GeneDx
Classification: Likely pathogenic. Last evaluated: 2016-03-31. Review status: criteria provided, single submitter. Criteria: GeneDx Variant Classification (06012015). Collection method: clinical testing. Allele origin: germline. Affected: yes.
Comment: A novel c.234_238dupATTTC variant that is likely pathogenic has been identified in the CDKL5 gene. The c.234_238dupATTTC variant has not been published as a pathogenic variant, nor has it been reported as a benign variant to our knowledge. It was not observed in approximately 6,500 individuals of European and African American ancestry in the NHLBI Exome Sequencing Project, indicating it is not a common benign variant in these populations. The c.234_238dupATTTC variant in the CDKL5 gene causes a frameshift starting with codon Arginine 80, changes this amino acid to a Histidine residue and creates a premature Stop codon at position 35 of the new reading frame, denoted p.R80HfsX35. This variant is predicted to cause loss of normal protein function either through protein truncation or nonsense-mediated mRNA decay. Additionally, other frameshift variants have been reported in the CDKL5 gene in association with CDKL5-related disorders (Stenson et al., 2014). Therefore, this variant is likely pathogenic; however, the possibility that it is benign cannot be excluded.